The following is an entry in ClinVar:

NM_004415.4(DSP):c.2771T>C (p.Met924Thr)

Gene: DSP (desmoplakin; plus strand). Cytogenetic location: 6p24.3.
Variant type: single nucleotide variant.
Coding change: c.2771T>C on transcript NM_004415.4 (MANE Select); coding-DNA position 2771, T replaced by C.
Protein change: p.Met924Thr; replaces methionine 924 with threonine.
Molecular consequence: missense variant.
Genome position (GRCh38, 1-based): chr6:7,576,434, T>C. VCF-style: chr6-7576434-T-C. GRCh37 (hg19) VCF-style: chr6-7576667-T-C.
Other names: c.2771T>C, p.Met924Thr (NM_001008844.3, NM_001319034.2); short protein forms M924T.
Identifiers: ClinVar variation 918867 (VCV000918867.19), dbSNP rs752816142, ClinGen allele CA035314.
Genomic context (GRCh38, chr6:7,576,434, plus strand): 5'-ATGCTAAACGCCGCCAGGATTCCTTAGAATCCATGAAATTTGGAGATTCCAACACAGTCA[T>C]GCGGTTTTTGAATGAGCAGAAGGTATAAGCCAACTTTTTGTTCCATAGCTGTTTTGAGAT-3'
Protein context (NP_004406.2, residues 914-934): SMKFGDSNTV[Met924Thr]RFLNEQKNLH

ClinVar aggregate classification (germline): Conflicting classifications of pathogenicity. Review status: criteria provided, conflicting classifications (1 of 4 stars). 5 submissions from 5 submitters: Uncertain significance (4); Likely benign (1). Last evaluated 2025-07-17.

Conditions:
Cardiomyopathy (CMYO). Also called: Cardiomyopathies. Identifiers: Orphanet 167848, MedGen C0878544, MONDO:0004994, HP:0001638. Inheritance: Various modes of inheritance.
Arrhythmogenic cardiomyopathy with wooly hair and keratoderma. Also called: PALMOPLANTAR KERATODERMA WITH LEFT VENTRICULAR CARDIOMYOPATHY AND WOOLLY HAIR; Carvajal syndrome; Dilated cardiomyopathy with woolly hair and keratoderma; Arrhythmogenic cardiomyopathy with woolly hair and keratoderma. Identifiers: Orphanet 65282, MedGen C1854063, MONDO:0011581, OMIM 605676.
Arrhythmogenic right ventricular dysplasia 8 (ARVD8). Also called: Arrhythmogenic Right Ventricular Dysplasia/Cardiomyopathy 8; ARRHYTHMOGENIC RIGHT VENTRICULAR DYSPLASIA, FAMILIAL, 8; ARRHYTHMOGENIC RIGHT VENTRICULAR CARDIOMYOPATHY 8. Identifiers: MedGen C1843896, MONDO:0011831, OMIM 607450.
Cardiovascular phenotype. Identifiers: MedGen CN230736.

Allele frequency attached by ClinVar (database versions not stated): gnomAD 0.00002; gnomAD exomes 0.00002 and 0.00007; TOPMed 0.00002; ExAC 0.00003.
gnomAD v4.1: 99 of 1,613,998 alleles (0.0061%); highest among the groups gnomAD compares: Non-Finnish European, 0.0083%; no homozygotes.

Submissions (5):

Women's Health and Genetics/Laboratory Corporation of America, LabCorp
Classification: Uncertain significance. Last evaluated: 2025-07-17. Review status: criteria provided, single submitter. Criteria: LabCorp Variant Classification Summary - May 2015. Collection method: clinical testing. Allele origin: germline.

Ambry Genetics
Classification: Uncertain significance for Cardiovascular phenotype. Last evaluated: 2025-06-18. Review status: criteria provided, single submitter. Criteria: Ambry Variant Classification Scheme 2023. Collection method: clinical testing. Allele origin: germline.

Labcorp Genetics (formerly Invitae), Labcorp
Classification: Likely benign for Arrhythmogenic cardiomyopathy with wooly hair and keratoderma; Arrhythmogenic right ventricular dysplasia 8. Last evaluated: 2025-01-06. Review status: criteria provided, single submitter. Criteria: Invitae Variant Classification Sherloc (09022015). Collection method: clinical testing. Allele origin: germline.

Color Diagnostics, LLC DBA Color Health
Classification: Uncertain significance for Cardiomyopathy. Last evaluated: 2024-03-07. Review status: criteria provided, single submitter. Criteria: ACMG Guidelines, 2015. Collection method: clinical testing. Allele origin: germline.
Comment: This missense variant replaces methionine with threonine at codon 924 of the DSP protein. Computational prediction suggests that this variant may not impact protein structure and function (internally defined REVEL score threshold <= 0.5, PMID: 27666373). To our knowledge, functional studies have not been reported for this variant. This variant has not been reported in individuals affected with cardiovascular disorders in the literature. This variant has been identified in 6/251386 chromosomes in the general population by the Genome Aggregation Database (gnomAD). The available evidence is insufficient to determine the role of this variant in disease conclusively. Therefore, this variant is classified as a Variant of Uncertain Significance.

All of Us Research Program, National Institutes of Health
Classification: Uncertain significance for Arrhythmogenic cardiomyopathy with wooly hair and keratoderma. Last evaluated: 2023-11-20. Review status: criteria provided, single submitter. Criteria: ACMG Guidelines, 2015. Collection method: clinical testing. Allele origin: germline. Inheritance: Autosomal dominant inheritance. Observed: 6 variant alleles, 6 heterozygotes.
Comment: This missense variant replaces methionine with threonine at codon 924 of the DSP protein. Computational prediction suggests that this variant may not impact protein structure and function (internally defined REVEL score threshold <= 0.5, PMID: 27666373). To our knowledge, functional studies have not been reported for this variant. This variant has not been reported in individuals affected with cardiovascular disorders in the literature. This variant has been identified in 6/251386 chromosomes in the general population by the Genome Aggregation Database (gnomAD). The available evidence is insufficient to determine the role of this variant in disease conclusively. Therefore, this variant is classified as a Variant of Uncertain Significance.

This study involves interpretation of variants in research participants for the purpose of population health screening. Participant phenotype was not available at the time of variant classification. Additional details can be found in publication PMID: 35346344, PMCID: PMC8962531